The following is an entry in ClinVar:

ClinVar aggregate classification (germline): Likely benign. Review status: criteria provided, multiple submitters, no conflicts (2 of 4 stars). 4 submissions from 4 submitters: Likely benign (3). 1 of the submissions does not count toward it. Last evaluated 2026-02-02.

Conditions:
DICER1-related disorder. Also called: DICER1-related condition.
DICER1-related tumor predisposition. Also called: DICER1-related pleuropulmonary blastoma cancer predisposition syndrome; DICER1 syndrome. Identifiers: Orphanet 284343, MedGen C3839822, MONDO:0100216.
Hereditary cancer-predisposing syndrome. Also called: Tumor predisposition; Neoplastic Syndromes, Hereditary; Hereditary Cancer Syndrome; Hereditary neoplastic syndrome. Identifiers: Orphanet 140162, MedGen C0027672, MeSH D009386, MONDO:0015356.

Allele frequency attached by ClinVar (database versions not stated): gnomAD 0.00003 and 0.00004; gnomAD exomes 0.00009 and 0.00024; TOPMed 0.00011; ExAC 0.00018.
gnomAD v4.1: 61 of 1,614,088 alleles (0.0038%); highest among the groups gnomAD compares: Admixed American, 0.098%; no homozygotes.

Submissions (4):

Labcorp Genetics (formerly Invitae), Labcorp
Classification: Likely benign for DICER1-related tumor predisposition. Last evaluated: 2026-02-02. Review status: criteria provided, single submitter. Criteria: Invitae Variant Classification Sherloc (09022015). Collection method: clinical testing. Allele origin: germline.

Quest Diagnostics Nichols Institute San Juan Capistrano
Classification: Likely benign. Last evaluated: 2025-02-05. Review status: criteria provided, single submitter. Criteria: Quest Diagnostics criteria. Collection method: clinical testing. Allele origin: unknown.

Ambry Genetics
Classification: Likely benign for Hereditary cancer-predisposing syndrome. Last evaluated: 2021-05-13. Review status: criteria provided, single submitter. Criteria: Ambry Variant Classification Scheme 2023. Collection method: clinical testing. Allele origin: germline.

PreventionGenetics, part of Exact Sciences
Classification: Likely benign for DICER1-related condition. Last evaluated: 2024-01-22. Review status: no assertion criteria provided. Collection method: clinical testing. Allele origin: germline. Not counted in ClinVar's aggregate classification.
Comment: This variant is classified as likely benign based on ACMG/AMP sequence variant interpretation guidelines (Richards et al. 2015 PMID: 25741868, with internal and published modifications).

NM_177438.3(DICER1):c.4484C>T (p.Ser1495Leu)

Gene: DICER1 (dicer 1, ribonuclease III; minus strand). Cytogenetic location: 14q32.13.
Variant type: single nucleotide variant.
Coding change: c.4484C>T on transcript NM_177438.3 (MANE Select); coding-DNA position 4484, C replaced by T.
Protein change: p.Ser1495Leu; replaces serine 1495 with leucine.
Molecular consequence: missense variant.
Genome position (GRCh38, 1-based): chr14:95,096,436, G>A on the plus strand (C>T on the coding strand, the complement: DICER1 is on the minus strand). VCF-style: chr14-95096436-G-A. GRCh37 (hg19) VCF-style: chr14-95562773-G-A.
Other names: c.4484C>T, p.Ser1495Leu (NM_001195573.1, NM_001271282.3, NM_001291628.2 and 1 more transcripts); short protein forms S1495L.
Identifiers: ClinVar variation 477208 (VCV000477208.20), dbSNP rs753527258, ClinGen allele CA7330838.